The following is an entry in ClinVar:

NM_004329.3(BMPR1A):c.1023T>G (p.Gly341=)

Gene: BMPR1A (bone morphogenetic protein receptor type 1A; plus strand). Cytogenetic location: 10q23.2.
Variant type: single nucleotide variant.
Coding change: c.1023T>G on transcript NM_004329.3 (MANE Select); coding-DNA position 1023, T replaced by G.
Protein change: p.Gly341=; no amino-acid change (glycine 341 retained).
Molecular consequence: synonymous variant.
Genome position (GRCh38, 1-based): chr10:86,919,326, T>G. VCF-style: chr10-86919326-T-G. GRCh37 (hg19) VCF-style: chr10-88679083-T-G.
Identifiers: ClinVar variation 1103703 (VCV001103703.12), dbSNP rs2133591869, ClinGen allele CA470373034.

ClinVar aggregate classification (germline): Benign/Likely benign. Review status: criteria provided, multiple submitters, no conflicts (2 of 4 stars). 3 submissions from 3 submitters: Benign (1); Likely benign (2). Last evaluated 2024-08-06.

Conditions:
Juvenile polyposis syndrome (JPS). Identifiers: Orphanet 2929, MedGen C0345893, MONDO:0017380, OMIM 174900.
Hereditary cancer-predisposing syndrome. Also called: Neoplastic Syndromes, Hereditary; Hereditary neoplastic syndrome; Hereditary Cancer Syndrome; Tumor predisposition. Identifiers: Orphanet 140162, MedGen C0027672, MeSH D009386, MONDO:0015356.

Submissions (3):

Myriad Genetics, Inc.
Classification: Benign for Juvenile polyposis syndrome. Last evaluated: 2024-08-06. Review status: criteria provided, single submitter. Criteria: Myriad Autosomal Dominant, Autosomal Recessive and X-Linked Classification Criteria (2023). Collection method: clinical testing. Allele origin: unknown.
Comment: This variant is considered benign. This variant is a silent/synonymous amino acid change and it is not expected to impact splicing.

Labcorp Genetics (formerly Invitae), Labcorp
Classification: Likely benign for Juvenile polyposis syndrome. Last evaluated: 2023-08-02. Review status: criteria provided, single submitter. Criteria: Invitae Variant Classification Sherloc (09022015). Collection method: clinical testing. Allele origin: germline.

Ambry Genetics
Classification: Likely benign for Hereditary cancer-predisposing syndrome. Last evaluated: 2021-01-24. Review status: criteria provided, single submitter. Criteria: Ambry Variant Classification Scheme 2023. Collection method: clinical testing. Allele origin: germline.